The following is an entry in ClinVar:

ClinVar aggregate classification (germline): Uncertain significance (1 of 4 stars; one submission).

Allele frequency attached by ClinVar (database versions not stated): gnomAD exomes below 0.00001.
gnomAD v4.1: 2 of 1,211,681 alleles (0.00017%); highest among the groups gnomAD compares: Non-Finnish European, 0.00022%; no homozygotes.

Submission:

GeneDx
Classification: Uncertain significance. Last evaluated: 2017-02-17. Review status: criteria provided, single submitter. Criteria: GeneDx Variant Classification (06012015). Collection method: clinical testing. Allele origin: germline. Affected: yes.
Comment: The T1438A variant in the HUWE1 gene has not been reported previously as a pathogenic variant, nor as a benign variant, to our knowledge. The T1438A variant is not observed in large population cohorts (Lek et al., 2016; 1000 Genomes Consortium et al., 2015; Exome Variant Server). The T1438A variant is a non-conservative amino acid substitution, which is likely to impact secondary protein structure as these residues differ in polarity, charge, size and/or other properties. This substitution occurs at a position that is not conserved. In silico analysis is inconsistent in its predictions as to whether or not the variant is damaging to the protein structure/function. We interpret T1438A as a variant of uncertain significance

NM_031407.7(HUWE1):c.4312A>G (p.Thr1438Ala)

Gene: HUWE1 (HECT, UBA and WWE domain containing E3 ubiquitin protein ligase 1; minus strand). Cytogenetic location: Xp11.22.
Variant type: single nucleotide variant.
Coding change: c.4312A>G on transcript NM_031407.7 (MANE Select); coding-DNA position 4312, A replaced by G.
Protein change: p.Thr1438Ala; replaces threonine 1438 with alanine.
Molecular consequence: missense variant.
Genome position (GRCh38, 1-based): chrX:53,589,696, T>C on the plus strand (A>G on the coding strand, the complement: HUWE1 is on the minus strand). VCF-style: chrX-53589696-T-C. GRCh37 (hg19) VCF-style: chrX-53616656-T-C.
Other names: short protein forms T1438A.
Identifiers: ClinVar variation 423479 (VCV000423479.1), dbSNP rs1064796450, ClinGen allele CA16621452.
Genomic context (GRCh38, chrX:53,589,696, plus strand): 5'-CTGTGTCTGGCAGCTCATCAAGAAGGTGGAAGCAGCCTGGCAACATAGTATCTGTGAAAG[T>C]GTGGAGCTCATCTTGTTCCAACGGGTCAGCATCCTGGAACTTCTCTAGACATTTAGCCTC-3'
Protein context (NP_113584.3, residues 1428-1448): ADPLEQDELH[Thr1438Ala]FTDTMLPGCF